The following is an entry in ClinVar:

NM_003240.5(LEFTY2):c.1066G>A (p.Asp356Asn)

Gene: LEFTY2 (left-right determination factor 2; minus strand). Cytogenetic location: 1q42.12.
Variant type: single nucleotide variant.
Coding change: c.1066G>A on transcript NM_003240.5 (MANE Select); coding-DNA position 1066, G replaced by A.
Protein change: p.Asp356Asn; replaces aspartic acid 356 with asparagine.
Molecular consequence: missense variant.
Genome position (GRCh38, 1-based): chr1:225,937,476, C>T on the plus strand (G>A on the coding strand, the complement: LEFTY2 is on the minus strand). VCF-style: chr1-225937476-C-T. GRCh37 (hg19) VCF-style: chr1-226125176-C-T.
Other names: c.964G>A, p.Asp322Asn (NM_001172425.3); c.1066G>A (NM_003240.4); short protein forms D356N, D322N.
Identifiers: ClinVar variation 655865 (VCV000655865.14), dbSNP rs543472211, ClinGen allele CA1420413.

ClinVar aggregate classification (germline): Uncertain significance. Review status: criteria provided, multiple submitters, no conflicts (2 of 4 stars). 3 submissions from 3 submitters: Uncertain significance (2). 1 of the submissions does not count toward it. Last evaluated 2025-12-21.

Conditions:
Left-right axis malformations. Identifiers: MedGen C1866091.
LEFTY2-related disorder. Also called: LEFTY2-related condition.

Allele frequency attached by ClinVar (database versions not stated): TOPMed 0.00006; gnomAD exomes 0.00013 and 0.00016; gnomAD 0.00015; ExAC 0.00019; 1000 Genomes Project 30x 0.00016; 1000 Genomes Project 0.00020.
gnomAD v4.1: 212 of 1,614,094 alleles (0.013%); highest among the groups gnomAD compares: Non-Finnish European, 0.015%; no homozygotes.

Submissions (3):

Labcorp Genetics (formerly Invitae), Labcorp
Classification: Uncertain significance for Left-right axis malformations. Last evaluated: 2025-12-21. Review status: criteria provided, single submitter. Criteria: Invitae Variant Classification Sherloc (09022015). Collection method: clinical testing. Allele origin: germline.
Comment: This sequence change replaces aspartic acid, which is acidic and polar, with asparagine, which is neutral and polar, at codon 356 of the LEFTY2 protein (p.Asp356Asn). This variant is present in population databases (rs543472211, gnomAD 0.04%), and has an allele count higher than expected for a pathogenic variant. This variant has not been reported in the literature in individuals affected with LEFTY2-related conditions. ClinVar contains an entry for this variant (Variation ID: 655865). An algorithm developed to predict the effect of missense changes on protein structure and function (PolyPhen-2) suggests that this variant is likely to be disruptive. In summary, the available evidence is currently insufficient to determine the role of this variant in disease. Therefore, it has been classified as a Variant of Uncertain Significance.

Ambry Genetics
Classification: Uncertain significance. Last evaluated: 2025-03-03. Review status: criteria provided, single submitter. Criteria: Ambry Variant Classification Scheme 2023. Collection method: clinical testing. Allele origin: germline.

PreventionGenetics, part of Exact Sciences
Classification: Uncertain significance for LEFTY2-related condition. Last evaluated: 2024-03-14. Review status: no assertion criteria provided. Collection method: clinical testing. Allele origin: germline. Not counted in ClinVar's aggregate classification.
Comment: The LEFTY2 c.1066G>A variant is predicted to result in the amino acid substitution p.Asp356Asn. To our knowledge, this variant has not been reported in the literature. This variant is reported in 0.044% of alleles in individuals of European (Finnish) descent in gnomAD. At this time, the clinical significance of this variant is uncertain due to the absence of conclusive functional and genetic evidence.